The following is an entry in ClinVar:

NM_006445.4(PRPF8):c.890A>G (p.Asn297Ser)

Gene: PRPF8 (pre-mRNA processing factor 8; minus strand). Cytogenetic location: 17p13.3.
Variant type: single nucleotide variant.
Coding change: c.890A>G on transcript NM_006445.4 (MANE Select); coding-DNA position 890, A replaced by G.
Protein change: p.Asn297Ser; replaces asparagine 297 with serine.
Molecular consequence: missense variant.
Genome position (GRCh38, 1-based): chr17:1,681,031, T>C on the plus strand (A>G on the coding strand, the complement: PRPF8 is on the minus strand). VCF-style: chr17-1681031-T-C. GRCh37 (hg19) VCF-style: chr17-1584325-T-C.
Other names: c.890A>G (NM_006445.3); short protein forms N297S.
Identifiers: ClinVar variation 1518827 (VCV001518827.10), dbSNP rs765145210, ClinGen allele CA8272513.

ClinVar aggregate classification (germline): Uncertain significance. Review status: criteria provided, multiple submitters, no conflicts (2 of 4 stars). 3 submissions from 3 submitters: Uncertain significance (3). Last evaluated 2024-01-17.

Conditions:
Inborn genetic diseases. Identifiers: MedGen C0950123, MeSH D030342.

Allele frequency attached by ClinVar (database versions not stated): ExAC 0.00002; gnomAD exomes 0.00002; gnomAD 0.00003.
gnomAD v4.1: 26 of 1,613,488 alleles (0.0016%); highest among the groups gnomAD compares: African/African-American, 0.0053%; no homozygotes.

Submissions (3):

Ambry Genetics
Classification: Uncertain significance for Inborn genetic diseases. Last evaluated: 2024-01-17. Review status: criteria provided, single submitter. Criteria: Ambry Variant Classification Scheme 2023. Collection method: clinical testing. Allele origin: germline.

Labcorp Genetics (formerly Invitae), Labcorp
Classification: Uncertain significance. Last evaluated: 2022-02-24. Review status: criteria provided, single submitter. Criteria: Invitae Variant Classification Sherloc (09022015). Collection method: clinical testing. Allele origin: germline.
Comment: This sequence change replaces asparagine, which is neutral and polar, with serine, which is neutral and polar, at codon 297 of the PRPF8 protein (p.Asn297Ser). This variant is present in population databases (rs765145210, gnomAD 0.008%). This variant has not been reported in the literature in individuals affected with PRPF8-related conditions. Algorithms developed to predict the effect of missense changes on protein structure and function are either unavailable or do not agree on the potential impact of this missense change (SIFT: "Deleterious"; PolyPhen-2: "Probably Damaging"; Align-GVGD: "Class C0"). In summary, the available evidence is currently insufficient to determine the role of this variant in disease. Therefore, it has been classified as a Variant of Uncertain Significance.

Blueprint Genetics
Classification: Uncertain significance. Last evaluated: 2021-08-26. Review status: criteria provided, single submitter. Criteria: ACMG Guidelines, 2015. Collection method: clinical testing. Allele origin: germline.